The following is an entry in ClinVar:

ClinVar aggregate classification (germline): Conflicting classifications of pathogenicity. Review status: criteria provided, conflicting classifications (1 of 4 stars). 2 submissions from 2 submitters: Uncertain significance (1); Likely benign (1). Last evaluated 2025-09-02.

Conditions:
Inborn genetic diseases. Identifiers: MedGen C0950123, MeSH D030342.
Intellectual developmental disorder, autosomal dominant 1. Also called: Intellectual disability, autosomal dominant 1; MBD5 Haploinsufficiency. Identifiers: Orphanet 228402, MedGen C1969562, MONDO:0007974, OMIM 156200.

gnomAD v4.1: 25 of 1,613,432 alleles (0.0015%); highest among the groups gnomAD compares: Middle Eastern, 0.016%; no homozygotes.

Submissions (2):

Labcorp Genetics (formerly Invitae), Labcorp
Classification: Uncertain significance for Intellectual developmental disorder, autosomal dominant 1. Last evaluated: 2025-09-02. Review status: criteria provided, single submitter. Criteria: Invitae Variant Classification Sherloc (09022015). Collection method: clinical testing. Allele origin: germline.
Comment: This sequence change replaces glycine, which is neutral and non-polar, with arginine, which is basic and polar, at codon 9 of the MBD5 protein (p.Gly9Arg). This variant is present in population databases (no rsID available, gnomAD 0.01%). This variant has not been reported in the literature in individuals affected with MBD5-related conditions. ClinVar contains an entry for this variant (Variation ID: 1378142). Invitae Evidence Modeling of protein sequence and biophysical properties (such as structural, functional, and spatial information, amino acid conservation, physicochemical variation, residue mobility, and thermodynamic stability) indicates that this missense variant is not expected to disrupt MBD5 protein function with a negative predictive value of 80%. In summary, the available evidence is currently insufficient to determine the role of this variant in disease. Therefore, it has been classified as a Variant of Uncertain Significance.

Ambry Genetics
Classification: Likely benign for Inborn genetic diseases. Last evaluated: 2021-10-12. Review status: criteria provided, single submitter. Criteria: Ambry Variant Classification Scheme 2023. Collection method: clinical testing. Allele origin: germline.

NM_001378120.1(MBD5):c.25G>A (p.Gly9Arg)

Gene: MBD5 (methyl-CpG binding domain protein 5; plus strand). Cytogenetic location: 2q23.1.
Variant type: single nucleotide variant.
Coding change: c.25G>A on transcript NM_001378120.1 (MANE Select); coding-DNA position 25, G replaced by A.
Protein change: p.Gly9Arg; replaces glycine 9 with arginine.
Molecular consequence: missense variant.
Genome position (GRCh38, 1-based): chr2:148,458,783, G>A. VCF-style: chr2-148458783-G-A. GRCh37 (hg19) VCF-style: chr2-149216352-G-A.
Other names: c.25G>A (NM_018328.4); c.25G>A, p.Gly9Arg (NM_018328.5); short protein forms G9R.
Identifiers: ClinVar variation 1378142 (VCV001378142.9), dbSNP rs143952512, ClinGen allele CA348715335.